The following is an entry in ClinVar:

ClinVar aggregate classification (germline): Likely benign. Review status: criteria provided, multiple submitters, no conflicts (2 of 4 stars). 4 submissions from 4 submitters: Likely benign (4). Last evaluated 2026-01-26.

Conditions:
Inborn genetic diseases. Identifiers: MedGen C0950123, MeSH D030342.

gnomAD v4.1: 29 of 1,614,054 alleles (0.0018%); highest among the groups gnomAD compares: Non-Finnish European, 0.0023%; no homozygotes.

Submissions (4):

Labcorp Genetics (formerly Invitae), Labcorp
Classification: Likely benign. Last evaluated: 2026-01-26. Review status: criteria provided, single submitter. Criteria: Invitae Variant Classification Sherloc (09022015). Collection method: clinical testing. Allele origin: germline.

Mayo Clinic Laboratories, Mayo Clinic
Classification: Likely benign. Last evaluated: 2025-09-29. Review status: criteria provided, single submitter. Criteria: ACMG Guidelines, 2015. Collection method: clinical testing. Allele origin: germline. Observed: 2 variant alleles.
Comment: BP4, BP7, PM2_moderate

Ambry Genetics
Classification: Likely benign for Inborn genetic diseases. Last evaluated: 2024-11-20. Review status: criteria provided, single submitter. Criteria: Ambry Variant Classification Scheme 2023. Collection method: clinical testing. Allele origin: germline.

Genetic Services Laboratory, University of Chicago
Classification: Likely benign. Last evaluated: 2020-04-17. Review status: criteria provided, single submitter. Criteria: ACMG Guidelines, 2015. Collection method: clinical testing. Allele origin: germline. Affected: no.

NM_001987.5(ETV6):c.669G>T (p.Pro223=)

Gene: ETV6 (ETS variant transcription factor 6; plus strand). Cytogenetic location: 12p13.2.
Variant type: single nucleotide variant.
Coding change: c.669G>T on transcript NM_001987.5 (MANE Select); coding-DNA position 669, G replaced by T.
Protein change: p.Pro223=; no amino-acid change (proline 223 retained).
Molecular consequence: synonymous variant.
Genome position (GRCh38, 1-based): chr12:11,869,629, G>T. VCF-style: chr12-11869629-G-T. GRCh37 (hg19) VCF-style: chr12-12022563-G-T.
Other names: p.Pro223=.
Identifiers: ClinVar variation 1337616 (VCV001337616.8), dbSNP rs746757399, ClinGen allele CA6454314.